The following is an entry in ClinVar:

ClinVar aggregate classification (germline): Likely benign. Review status: criteria provided, single submitter (1 of 4 stars). 2 submissions from 2 submitters: Likely benign (1). 1 of the submissions does not count toward it. Last evaluated 2025-09-15.

Conditions:
LAMA5-related disorder. Also called: LAMA5-related condition; LAMA5-Related Disorders.

Allele frequency attached by ClinVar (database versions not stated): ExAC 0.00018; TOPMed 0.00024; gnomAD 0.00025; 1000 Genomes Project 0.00040; 1000 Genomes Project 30x 0.00047.
gnomAD v4.1: 106 of 1,583,846 alleles (0.0067%); highest among the groups gnomAD compares: African/African-American, 0.075%; no homozygotes.

Submissions (2):

Labcorp Genetics (formerly Invitae), Labcorp
Classification: Likely benign. Last evaluated: 2025-09-15. Review status: criteria provided, single submitter. Criteria: Invitae Variant Classification Sherloc (09022015). Collection method: clinical testing. Allele origin: germline.

PreventionGenetics, part of Exact Sciences
Classification: Likely benign for LAMA5-related condition. Last evaluated: 2019-08-09. Review status: no assertion criteria provided. Collection method: clinical testing. Allele origin: germline. Not counted in ClinVar's aggregate classification.
Comment: This variant is classified as likely benign based on ACMG/AMP sequence variant interpretation guidelines (Richards et al. 2015 PMID: 25741868, with internal and published modifications).

NM_005560.6(LAMA5):c.10986C>T (p.Cys3662=)

Gene: LAMA5 (laminin subunit alpha 5; minus strand). Cytogenetic location: 20q13.33.
Variant type: single nucleotide variant.
Coding change: c.10986C>T on transcript NM_005560.6 (MANE Select); coding-DNA position 10986, C replaced by T.
Protein change: p.Cys3662=; no amino-acid change (cysteine 3662 retained).
Molecular consequence: synonymous variant.
Genome position (GRCh38, 1-based): chr20:62,309,438, G>A on the plus strand (C>T on the coding strand, the complement: LAMA5 is on the minus strand). VCF-style: chr20-62309438-G-A. GRCh37 (hg19) VCF-style: chr20-60884494-G-A.
Other names: c.10986C>T (NM_005560.4).
Identifiers: ClinVar variation 2143075 (VCV002143075.6), dbSNP rs529100935, ClinGen allele CA9939491.
Genomic context (GRCh38, chr20:62,309,438, plus strand): 5'-CTCCACAGAGCGAGTCATGGCGACGGGGGACCGGTTCACCGCCAGCCTCCTCATGCAGCC[G>A]CAGTAGGCGGGGGGCCAGGGCTGCACGGCCATGGGCTCTGGGGGCACAGGGAAGATGGAA-3'
Protein context (NP_005551.3, residues 3652-3672): MAVQPWPPAY[Cys3662=]GCMRRLAVNR